The following is an entry in ClinVar:

NM_006767.4(LZTR1):c.742G>A (p.Gly248Arg)

Gene: LZTR1 (leucine zipper like post translational regulator 1; plus strand). Cytogenetic location: 22q11.21.
Variant type: single nucleotide variant.
Coding change: c.742G>A on transcript NM_006767.4 (MANE Select); coding-DNA position 742, G replaced by A.
Protein change: p.Gly248Arg; replaces glycine 248 with arginine.
Molecular consequence: missense variant.
Genome position (GRCh38, 1-based): chr22:20,990,476, G>A. VCF-style: chr22-20990476-G-A. GRCh37 (hg19) VCF-style: chr22-21344765-G-A.
Other names: NM_006767.4(LZTR1):c.742G>A; c.(742G>A) (NM_006767.4); short protein forms G248R.
Identifiers: ClinVar variation 209088 (VCV000209088.59), dbSNP rs869320686, ClinGen allele CA358852.

ClinVar aggregate classification (germline): Likely pathogenic. Review status: reviewed by expert panel (3 of 4 stars). 31 submissions from 30 submitters: Likely pathogenic (1). 30 of the submissions do not count toward it. Last evaluated 2024-09-17.

Conditions:
LZTR1-related Noonan syndrome.
LZTR1-related disorder. Also called: LZTR1-related disorders; LZTR1-related condition.
Hereditary cancer-predisposing syndrome. Also called: Hereditary Cancer Syndrome; Hereditary neoplastic syndrome; Neoplastic Syndromes, Hereditary; Tumor predisposition. Identifiers: Orphanet 140162, MedGen C0027672, MeSH D009386, MONDO:0015356.
Cardiovascular phenotype. Identifiers: MedGen CN230736.
Noonan syndrome 2 (NS2). Identifiers: Orphanet 648, MedGen C1854469, MONDO:0011531, OMIM 605275.
LZTR1-related schwannomatosis. Also called: Schwannomatosis-2, susceptibility to; Schwannomatosis 2. Identifiers: Orphanet 93921, MedGen C3810283, MONDO:0014299, OMIM 615670.
Noonan syndrome 10 (NS10). Identifiers: Orphanet 648, MedGen C4225280, MONDO:0014693, OMIM 616564.
Fetal cystic hygroma (FCH). Also called: NUCHAL BLEB, FAMILIAL. Identifiers: Orphanet 79486, MedGen C0948242, OMIM 257350, HP:0010878.
RASopathy. Also called: Noonan spectrum disorder; rasopathies. Identifiers: Orphanet 536391, MedGen C5555857, MONDO:0021060.
Noonan syndrome (NS). Also called: Noonan's syndrome. Identifiers: Orphanet 648, MedGen C0028326, MeSH D009634, MONDO:0018997. Disease mechanism: gain of function.
Noonan syndrome 1 (NS1). Also called: FEMALE PSEUDO-TURNER SYNDROME; TURNER PHENOTYPE WITH NORMAL KARYOTYPE; PTPN11-Related Noonan Syndrome. Identifiers: Orphanet 648, MedGen C4551602, MONDO:0008104, OMIM 163950. Disease mechanism: gain of function.

Allele frequency attached by ClinVar (database versions not stated): gnomAD exomes below 0.00001; TOPMed below 0.00001.
gnomAD v4.1: 6 of 1,613,904 alleles (0.00037%); highest among the groups gnomAD compares: Admixed American, 0.0017%; no homozygotes.

Submissions 1 to 6 of 31:

ClinGen RASopathy Variant Curation Expert Panel
Classification: Likely pathogenic for RASopathy. Last evaluated: 2024-09-17. Review status: reviewed by expert panel. Criteria: ClinGen RASopathy ACMG Specifications LZTR1 V1.1.0. Collection method: curation. Allele origin: germline. Inheritance: Autosomal dominant inheritance.
Comment: The NM_006767.4:c.742G>A (p.Gly248Arg) variant in LZTR1 is a missense variant predicted to cause substitution of glycine by arginine at amino acid 248. Evidence supports that this variant is associated with AD NS and is not associated with AR NS. This variant is absent from gnomAD v2.1.1 (PM2_Supporting). The computational predictor REVEL gives a score of 0.839, which is above the threshold of 0.7, evidence that correlates with impact to LZTR1 function (PP3). ERK1/2 phosphorylation assays in HEK293 cells showed enhanced EGF-dependent ERK1/2 phosphorylation indicating that this variant impacts protein function (PMID: 30481304)(PS3_Supporting). This variant has been reported in 3 probands with features of RASopathy (PS4_Moderate; PMID:25795793, 30859559, 31533111). This variant has been identified as a de novo occurrence with confirmed parental relationships in 1 individual with features of RASopathy (PS2; PMID:30859559). Schwannomatosis has not been observed in individuals harboring this variant. In summary, this variant meets the criteria to be classified as likely pathogenic for autosomal dominant RASopathy based on the ACMG/AMP criteria applied, as specified by the ClinGen RASopathy VCEP: PS2, PS4_Moderate, PS3_Supporting, PM2_Supporting, PP3. (RASopathy VCEP specifications version 1.1; 9/17/2024)

Department of Precision Medicine, Korea National Institute of Health
Classification: Pathogenic for Noonan syndrome 10. Last evaluated: 2026-04-29. Review status: criteria provided, single submitter. Criteria: ACMG Guidelines, 2015. Collection method: research. Allele origin: de novo. Affected: yes. Observed: 1 variant allele. Not counted in ClinVar's aggregate classification.
Comment: PS3 (ClinVar classifies this variant as Likely Pathogenic, 3 stars, backed by functional studies, and also citing 7 articles), PM1 (Hot-spot of length 17 amino-acids has 45 missense/in-frame variants (10 pathogenic variants, 35 uncertain variants, and no benign), which qualifies as moderate pathogenic.) PM5 (3 pathogenic alternative variants identified.), PP3 (MetaRNN = 0.915), PM2 (Variant not found in gnomAD)

PreventionGenetics, part of Exact Sciences
Classification: Pathogenic for LZTR1-related condition. Last evaluated: 2026-01-14. Review status: criteria provided, single submitter. Criteria: ACMG Guidelines, 2015. Collection method: clinical testing. Allele origin: germline. Not counted in ClinVar's aggregate classification.
Comment: The LZTR1 c.742G>A variant is predicted to result in the amino acid substitution p.Gly248Arg. This variant has been reported in multiple individuals with autosomal dominant Noonan syndrome (NS) and has been reported to be de novo and to segregate with disease (Yamamoto et al. 2015. PubMed ID: 25795793; Pagnamenta et al. 2019. PubMed ID: 30859559). Functional studies indicate this variant results in increased activated RAS and an upregulation of the MAPK pathway (Motta et al. 2018. PubMed ID: 30481304). This variant has not been reported in a large population database (gnomAD v2); however, the quality of the data is questionable and should be interpreted with caution. In gnomAD v4 (available only on GRCh38), this variant is reported in 6 alleles out of ~1,613,900 alleles. It has been interpreted as likely pathogenic by the ClinGen RASopathy Variant Curation Expert Panel in ClinVar for autosomal dominant disease (Variation ID: 209088). Alternate missense changes at the same amino acid position (p.Gly248Glu and p.Gly248Ala) have also been reported to be de novo in individuals with NS (Farncombe et al. 2022. PubMed ID: 35840934; Meng et al. 2017. PubMed ID: 28973083). This variant is interpreted as pathogenic for autosomal dominant Noonan syndrome.

3billion
Classification: Pathogenic for Noonan syndrome 10. Last evaluated: 2026-01-12. Review status: criteria provided, single submitter. Criteria: ACMG Guidelines, 2015. Collection method: clinical testing. Allele origin: germline. Affected: yes. Not counted in ClinVar's aggregate classification.
Comment: The variant is observed at an extremely low frequency in the gnomAD v4.1.0 dataset (total allele frequency: <0.001%). Predicted Consequence/Location: Missense variant In silico tool predictions suggest damaging effect of the variant on gene or gene product [REVEL: 0.84 (>=0.6, sensitivity 0.68 and specificity 0.92); 3Cnet: 0.99 (> 0.75, sensitivity 0.96 and precision 0.92)]. The same nucleotide change resulting in the same amino acid change has been previously reported as pathogenic/likely pathogenic with strong evidence (ClinVar ID: VCV000209088 /PMID: 25795793 /3billion dataset). The variant has been observed in at least two similarly affected unrelated individuals (PMID: 30368668, 30859559). The variant has been previously reported as assumed (i.e. paternity and maternity not confirmed) de novo in at least one similarly affected unrelated individual (PMID: 30859559). The variant has been reported to co-segregate with the disease in at least 3 similarly affected relatives/individuals in the same family or similarly affected unrelated families (PMID: 25795793). Different missense changes at the same codon (p.Gly248Ala, p.Gly248Glu, p.Gly248Val) have been reported as pathogenic/likely pathogenic with strong evidence (ClinVar ID: VCV001344894, VCV002499923, VCV003376733 /PMID: 28973083, 35840934 /3billion dataset). Therefore, this variant is classified as Pathogenic according to the recommendation of ACMG/AMP guideline.

Labcorp Genetics (formerly Invitae), Labcorp
Classification: Pathogenic. Last evaluated: 2025-11-04. Review status: criteria provided, single submitter. Criteria: Invitae Variant Classification Sherloc (09022015). Collection method: clinical testing. Allele origin: germline. Not counted in ClinVar's aggregate classification.
Comment: This sequence change replaces glycine, which is neutral and non-polar, with arginine, which is basic and polar, at codon 248 of the LZTR1 protein (p.Gly248Arg). This variant is not present in population databases (gnomAD no frequency). This missense change has been observed in individual(s) with Noonan syndrome (PMID: 25795793, 30368668, 30859559). In at least one individual the variant was observed to be de novo. It has also been observed to segregate with disease in related individuals. ClinVar contains an entry for this variant (Variation ID: 209088). Invitae Evidence Modeling of protein sequence and biophysical properties (such as structural, functional, and spatial information, amino acid conservation, physicochemical variation, residue mobility, and thermodynamic stability) indicates that this missense variant is not expected to disrupt LZTR1 protein function with a negative predictive value of 80%. Experimental studies have shown that this missense change affects LZTR1 function (PMID: 30481304). For these reasons, this variant has been classified as Pathogenic.

Dasa
Classification: Pathogenic. Last evaluated: 2025-05-23. Review status: criteria provided, single submitter. Criteria: DASA Assertion Criteria. Collection method: clinical testing. Allele origin: germline. Not counted in ClinVar's aggregate classification.
Comment: NM_006767.4(LZTR1):c.742G>A (p.Gly248Arg) is a missense variant that results in the substitution of glycine with arginine. The affected residue or protein region has prior evidence supporting clinical relevance. De novo occurrence has been reported in an individual with related phenotype. Functional evidence supports a deleterious effect on the gene or gene product (PMID: 30859559; PMID: 30481304; PMID: 25795793; PMID: 31533111; PMID: 30368668). This variant has been recurrently observed in individuals with related phenotype (PMID: 30859559; PMID: 30481304; PMID: 25795793; PMID: 31533111; PMID: 30368668). Segregation evidence has been reported in affected families. Multiple computational predictions support a deleterious effect on the gene or gene product. The variant is present at low frequency in population datasets. Based on the available data, this variant is classified as pathogenic.